The following is an entry in ClinVar:

NM_033026.6(PCLO):c.10499G>T (p.Ser3500Ile)

Gene: PCLO (piccolo presynaptic cytomatrix protein; minus strand). Cytogenetic location: 7q21.11.
Variant type: single nucleotide variant.
Coding change: c.10499G>T on transcript NM_033026.6 (MANE Select); coding-DNA position 10499, G replaced by T.
Protein change: p.Ser3500Ile; replaces serine 3500 with isoleucine.
Molecular consequence: missense variant.
Genome position (GRCh38, 1-based): chr7:82,950,089, C>A on the plus strand (G>T on the coding strand, the complement: PCLO is on the minus strand). VCF-style: chr7-82950089-C-A. GRCh37 (hg19) VCF-style: chr7-82579405-C-A.
Other names: c.10499G>T, p.Ser3500Ile (NM_014510.3); short protein forms S3500I.
Identifiers: ClinVar variation 1499696 (VCV001499696.3), dbSNP rs757650542, ClinGen allele CA367903236.

ClinVar aggregate classification (germline): Uncertain significance (1 of 4 stars; one submission).

gnomAD v4.1: 17 of 1,606,492 alleles (0.0011%); highest among the groups gnomAD compares: Non-Finnish European, 0.0014%; no homozygotes.

Submission:

Labcorp Genetics (formerly Invitae), Labcorp
Classification: Uncertain significance. Last evaluated: 2021-12-10. Review status: criteria provided, single submitter. Criteria: Invitae Variant Classification Sherloc (09022015). Collection method: clinical testing. Allele origin: germline.
Comment: This sequence change replaces serine, which is neutral and polar, with isoleucine, which is neutral and non-polar, at codon 3500 of the PCLO protein (p.Ser3500Ile). This variant is present in population databases (no rsID available, gnomAD 0.01%). This variant has not been reported in the literature in individuals affected with PCLO-related conditions. Algorithms developed to predict the effect of missense changes on protein structure and function are either unavailable or do not agree on the potential impact of this missense change (SIFT: "Deleterious"; PolyPhen-2: "Not Available"; Align-GVGD: "Class C0"). In summary, the available evidence is currently insufficient to determine the role of this variant in disease. Therefore, it has been classified as a Variant of Uncertain Significance.